The following is an entry in ClinVar:

ClinVar aggregate classification (germline): Likely benign. Review status: criteria provided, single submitter (1 of 4 stars). 2 submissions from 2 submitters: Likely benign (1). 1 of the submissions does not count toward it. Last evaluated 2024-02-05.

Conditions:
UCP3-related disorder. Also called: UCP3-related condition.

Allele frequency attached by ClinVar (database versions not stated): gnomAD 0.00010; gnomAD exomes 0.00010; ExAC 0.00013; TOPMed 0.00013; ESP Exome Variant Server 0.00015; 1000 Genomes Project 30x 0.00016; 1000 Genomes Project 0.00020.
gnomAD v4.1: 163 of 1,613,996 alleles (0.01%); highest among the groups gnomAD compares: Non-Finnish European, 0.012%; no homozygotes.

Submissions (2):

Labcorp Genetics (formerly Invitae), Labcorp
Classification: Likely benign. Last evaluated: 2024-02-05. Review status: criteria provided, single submitter. Criteria: Invitae Variant Classification Sherloc (09022015). Collection method: clinical testing. Allele origin: germline.

PreventionGenetics, part of Exact Sciences
Classification: Likely benign for UCP3-related condition. Last evaluated: 2022-04-11. Review status: no assertion criteria provided. Collection method: clinical testing. Allele origin: germline. Not counted in ClinVar's aggregate classification.
Comment: This variant is classified as likely benign based on ACMG/AMP sequence variant interpretation guidelines (Richards et al. 2015 PMID: 25741868, with internal and published modifications).

NM_003356.4(UCP3):c.338-5C>T

Gene: UCP3 (uncoupling protein 3; minus strand). Cytogenetic location: 11q13.4.
Variant type: single nucleotide variant.
Coding change: c.338-5C>T on transcript NM_003356.4 (MANE Select); 5 bases into the intron before coding-DNA position 338, C replaced by T.
Molecular consequence: intron variant.
Genome position (GRCh38, 1-based): chr11:74,005,938, G>A on the plus strand (C>T on the coding strand, the complement: UCP3 is on the minus strand). VCF-style: chr11-74005938-G-A. GRCh37 (hg19) VCF-style: chr11-73716983-G-A.
Other names: c.338-5C>T (NM_022803.3).
Identifiers: ClinVar variation 3045413 (VCV003045413.4), dbSNP rs151034480, ClinGen allele CA6181516.